The following is an entry in ClinVar:

ClinVar aggregate classification (germline): Conflicting classifications of pathogenicity. Review status: criteria provided, conflicting classifications (1 of 4 stars). 4 submissions from 4 submitters: Likely pathogenic (3); Uncertain significance (1). Last evaluated 2024-07-16.

Conditions:
Congenital myasthenic syndrome 18. Also called: MYASTHENIC SYNDROME, CONGENITAL, 18, WITH INTELLECTUAL DISABILITY AND ATAXIA. Identifiers: Orphanet 590, MedGen C4225364, MONDO:0014590, OMIM 616330.

Submissions (4):

GeneDx
Classification: Likely pathogenic. Last evaluated: 2024-07-16. Review status: criteria provided, single submitter. Criteria: GeneDx Variant Classification Process June 2021. Collection method: clinical testing. Allele origin: germline. Affected: yes.
Comment: Not observed at significant frequency in large population cohorts (gnomAD); In silico analysis supports that this missense variant has a deleterious effect on protein structure/function; Has not been previously published as pathogenic or benign to our knowledge

Labcorp Genetics (formerly Invitae), Labcorp
Classification: Likely pathogenic for Congenital myasthenic syndrome 18. Last evaluated: 2024-02-26. Review status: criteria provided, single submitter. Criteria: Invitae Variant Classification Sherloc (09022015). Collection method: clinical testing. Allele origin: germline.
Comment: This sequence change replaces serine, which is neutral and polar, with leucine, which is neutral and non-polar, at codon 25 of the SNAP25 protein (p.Ser25Leu). This variant is not present in population databases (gnomAD no frequency). This missense change has been observed in individual(s) with clinical features of SNAP25-related conditions (Invitae). In at least one individual the variant was observed to be de novo. ClinVar contains an entry for this variant (Variation ID: 2107892). An algorithm developed to predict the effect of missense changes on protein structure and function (PolyPhen-2) suggests that this variant is likely to be disruptive. In summary, the currently available evidence indicates that the variant is pathogenic, but additional data are needed to prove that conclusively. Therefore, this variant has been classified as Likely Pathogenic.

Blueprint Genetics
Classification: Uncertain significance. Last evaluated: 2020-09-24. Review status: criteria provided, single submitter. Criteria: ACMG Guidelines, 2015. Collection method: clinical testing. Allele origin: germline.

Molecular Genetics Lab, CHRU Brest
Classification: Likely pathogenic for Congenital myasthenic syndrome 18. Review status: criteria provided, single submitter. Criteria: ACMG Guidelines, 2015. Collection method: clinical testing. Allele origin: de novo. Affected: yes.

NM_130811.4(SNAP25):c.74C>T (p.Ser25Leu)

Gene: SNAP25 (synaptosome associated protein 25; plus strand). Cytogenetic location: 20p12.2.
Variant type: single nucleotide variant.
Coding change: c.74C>T on transcript NM_130811.4 (MANE Select); coding-DNA position 74, C replaced by T.
Protein change: p.Ser25Leu; replaces serine 25 with leucine.
Molecular consequence: missense variant.
Genome position (GRCh38, 1-based): chr20:10,277,686, C>T. VCF-style: chr20-10277686-C-T. GRCh37 (hg19) VCF-style: chr20-10258334-C-T.
Other names: c.74C>T (NM_003081.3); c.74C>T, p.Ser25Leu (NM_001322902.2, NM_001322903.2, NM_001322904.2 and 7 more transcripts); short protein forms S25L.
Identifiers: ClinVar variation 2107892 (VCV002107892.9), dbSNP rs2514785213, ClinGen allele CA408265321.